The following is an entry in ClinVar:

ClinVar aggregate classification (germline): Likely benign. Review status: criteria provided, multiple submitters, no conflicts (2 of 4 stars). 3 submissions from 3 submitters: Likely benign (2). 1 of the submissions does not count toward it. Last evaluated 2025-02-05.

Conditions:
COL6A3-related disorder. Also called: COL6A3-related disorders; COL6A3-related condition.
Bethlem myopathy 1A. Also called: MYOPATHY, BENIGN CONGENITAL, WITH CONTRACTURES; Bethlem Muscular Dystrophy; Bethlem myopathy 1. Identifiers: Orphanet 610, MedGen CN029274, MONDO:0024530, OMIM 158810.

Allele frequency attached by ClinVar (database versions not stated): TOPMed 0.00003.
gnomAD v4.1: 19 of 1,614,056 alleles (0.0012%); highest among the groups gnomAD compares: East Asian, 0.0067%; no homozygotes.

Submissions (3):

Labcorp Genetics (formerly Invitae), Labcorp
Classification: Likely benign for Bethlem myopathy 1A. Last evaluated: 2025-02-05. Review status: criteria provided, single submitter. Criteria: Invitae Variant Classification Sherloc (09022015). Collection method: clinical testing. Allele origin: germline.

GeneDx
Classification: Likely benign. Last evaluated: 2018-10-22. Review status: criteria provided, single submitter. Criteria: GeneDx Variant Classification Process June 2021. Collection method: clinical testing. Allele origin: germline. Affected: yes.

PreventionGenetics, part of Exact Sciences
Classification: Likely benign for COL6A3-related condition. Last evaluated: 2024-03-15. Review status: no assertion criteria provided. Collection method: clinical testing. Allele origin: germline. Not counted in ClinVar's aggregate classification.
Comment: This variant is classified as likely benign based on ACMG/AMP sequence variant interpretation guidelines (Richards et al. 2015 PMID: 25741868, with internal and published modifications).

NM_004369.4(COL6A3):c.576G>A (p.Pro192=)

Gene: COL6A3 (collagen type VI alpha 3 chain; minus strand). Cytogenetic location: 2q37.3.
Variant type: single nucleotide variant.
Coding change: c.576G>A on transcript NM_004369.4 (MANE Select); coding-DNA position 576, G replaced by A.
Protein change: p.Pro192=; no amino-acid change (proline 192 retained).
Molecular consequence: synonymous variant. On other transcripts: intron variant (4).
Genome position (GRCh38, 1-based): chr2:237,394,720, C>T on the plus strand (G>A on the coding strand, the complement: COL6A3 is on the minus strand). VCF-style: chr2-237394720-C-T. GRCh37 (hg19) VCF-style: chr2-238303363-C-T.
Other names: c.91+2007G>A (NM_057166.5, NM_057167.4, NM_057164.5 and 1 more transcripts).
Identifiers: ClinVar variation 383245 (VCV000383245.15), dbSNP rs141560881, ClinGen allele CA16604147.
Genomic context (GRCh38, chr2:237,394,720, plus strand): 5'-GTTTCCTACTATGTCATGAAGTGAGGTAAAATTCTCTAGGTTGAACATATGCATATTGAG[C>T]GGTTCACTTGCTATTTCTTTTAACGCTCCTTCATCTGCATCCTCAACTCCAATTGCAAAC-3'
Protein context (NP_004360.2, residues 182-202): EGALKEIASE[Pro192=]LNMHMFNLEN